The following is an entry in ClinVar:

ClinVar aggregate classification (germline): Uncertain significance (1 of 4 stars; one submission).

Conditions:
Cardiovascular phenotype. Identifiers: MedGen CN230736.

Submission:

Ambry Genetics
Classification: Uncertain significance for Cardiovascular phenotype. Last evaluated: 2023-09-24. Review status: criteria provided, single submitter. Criteria: Ambry Variant Classification Scheme 2023. Collection method: clinical testing. Allele origin: germline.
Comment: The p.D1076Y variant (also known as c.3226G>T), located in coding exon 7 of the TNXB gene, results from a G to T substitution at nucleotide position 3226. The aspartic acid at codon 1076 is replaced by tyrosine, an amino acid with highly dissimilar properties. This amino acid position is conserved. In addition, this alteration is predicted to be tolerated by in silico analysis. Since supporting evidence is limited at this time, the clinical significance of this alteration remains unclear.

NM_001365276.2(TNXB):c.3226G>T (p.Asp1076Tyr)

Gene: TNXB (tenascin XB; minus strand). Cytogenetic location: 6p21.33.
Variant type: single nucleotide variant.
Coding change: c.3226G>T on transcript NM_001365276.2 (MANE Select); coding-DNA position 3226, G replaced by T.
Protein change: p.Asp1076Tyr; replaces aspartic acid 1076 with tyrosine.
Molecular consequence: missense variant.
Genome position (GRCh38, 1-based): chr6:32,084,632, C>A on the plus strand (G>T on the coding strand, the complement: TNXB is on the minus strand). VCF-style: chr6-32084632-C-A. GRCh37 (hg19) VCF-style: chr6-32052409-C-A.
Other names: c.3967G>T, p.Asp1323Tyr (NM_001428335.1); c.3226G>T, p.Asp1076Tyr (NM_019105.8); short protein forms D1076Y, D1323Y.
Identifiers: ClinVar variation 3227267 (VCV003227267.1), dbSNP rs202227084, ClinGen allele CA363443887.
Genomic context (GRCh38, chr6:32,084,632, plus strand): 5'-ACTGGATCACGAAGGAGTCAAACTCGCCCTCGGGGACCGTCCAGCGCAGGAGCAAGGAGT[C>A]GGAGGTCCTGTCTGTCACCGTCAGCTCACCCAGGCGTGGTGGGCCTGAGGACTTCCCAGG-3'
Protein context (NP_001352205.1, residues 1066-1086): GELTVTDRTS[Asp1076Tyr]SLLLRWTVPE